The following is an entry in ClinVar:

ClinVar aggregate classification (germline): Pathogenic (1 of 4 stars; one submission).

Conditions:
KBG syndrome (KBGS). Also called: ANKRD11-Related KBG Syndrome. Identifiers: Orphanet 2332, MedGen C0220687, MONDO:0007846, OMIM 148050.

Submission:

Labcorp Genetics (formerly Invitae), Labcorp
Classification: Pathogenic for KBG syndrome. Last evaluated: 2025-04-08. Review status: criteria provided, single submitter. Criteria: Invitae Variant Classification Sherloc (09022015). Collection method: clinical testing. Allele origin: germline.
Comment: This sequence change creates a premature translational stop signal (p.Lys453*) in the ANKRD11 gene. It is expected to result in an absent or disrupted protein product. Loss-of-function variants in ANKRD11 are known to be pathogenic (PMID: 21782149, 25125236, 25413698, 25652421). This variant is not present in population databases (gnomAD no frequency). This variant has not been reported in the literature in individuals affected with ANKRD11-related conditions. ClinVar contains an entry for this variant (Variation ID: 3729662). For these reasons, this variant has been classified as Pathogenic.

Literature cited by the submitters: PubMed 21782149; PubMed 25125236; PubMed 25413698; PubMed 25652421.

NM_013275.6(ANKRD11):c.1357A>T (p.Lys453Ter)

Gene: ANKRD11 (ankyrin repeat domain 11; minus strand). Cytogenetic location: 16q24.3.
Variant type: single nucleotide variant.
Coding change: c.1357A>T on transcript NM_013275.6 (MANE Select); coding-DNA position 1357, A replaced by T.
Protein change: p.Lys453Ter; replaces lysine 453 with a stop codon.
Molecular consequence: nonsense.
Genome position (GRCh38, 1-based): chr16:89,285,185, T>A on the plus strand (A>T on the coding strand, the complement: ANKRD11 is on the minus strand). VCF-style: chr16-89285185-T-A. GRCh37 (hg19) VCF-style: chr16-89351593-T-A.
Other names: c.1357A>T, p.Lys453Ter (NM_001256182.2, NM_001256183.2); short protein forms K453*.
Identifiers: ClinVar variation 3729662 (VCV003729662.2).
Genomic context (GRCh38, chr16:89,285,185, plus strand): 5'-TCCGCTTTCCGAAGCGAACCTCTCTGCCTTTTGTTTCTTTCTTTCGCTTCTTTTTCACTT[T>A]ATTTTTTTCCTTCTGCTGCTTGGCATTAGAAGGCTCTCGTGTCTTACTACCAGGCAATAT-3'